The following is an entry in ClinVar:

ClinVar aggregate classification (germline): Benign/Likely benign. Review status: criteria provided, multiple submitters, no conflicts (2 of 4 stars). 27 submissions from 27 submitters: Benign (8); Likely benign (11). 8 of the submissions do not count toward it. Last evaluated 2026-08-01.

Conditions:
STK11-related disorder. Also called: STK11-related condition.
Breast and/or ovarian cancer. Identifiers: MedGen CN221562.
Hereditary cancer-predisposing syndrome. Also called: Neoplastic Syndromes, Hereditary; Tumor predisposition; Hereditary neoplastic syndrome; Hereditary Cancer Syndrome. Identifiers: Orphanet 140162, MedGen C0027672, MeSH D009386, MONDO:0015356.
Peutz-Jeghers syndrome (PJS). Also called: POLYPOSIS, HAMARTOMATOUS INTESTINAL; POLYPS-AND-SPOTS SYNDROME; Peutz-Jeghers polyposis; Periorificial lentiginosis syndrome. Identifiers: Orphanet 2869, MedGen C0031269, MeSH D010580, MONDO:0008280, OMIM 175200.
Malignant tumor of breast. Also called: Malignant breast neoplasm; Cancer breast. Identifiers: MedGen C0006142, MONDO:0007254. Disease mechanism: loss of function.

Allele frequency attached by ClinVar (database versions not stated): 1000 Genomes Project 30x 0.00016; 1000 Genomes Project 0.00020; gnomAD 0.00060 and 0.00064; TOPMed 0.00070; gnomAD exomes 0.00079; ESP Exome Variant Server 0.00096; ExAC 0.00170.

Submissions (27):

CeGaT Center for Human Genetics Tuebingen
Classification: Likely benign. Last evaluated: 2026-08-01. Review status: criteria provided, single submitter. Criteria: CeGaT Center For Human Genetics Tuebingen Variant Classification Criteria Version 2. Collection method: clinical testing. Allele origin: germline. Affected: yes. Observed: 10 variant alleles.
Comment: STK11: BP4, BP7, BS1

Labcorp Genetics (formerly Invitae), Labcorp
Classification: Benign for Peutz-Jeghers syndrome. Last evaluated: 2026-02-03. Review status: criteria provided, single submitter. Criteria: Invitae Variant Classification Sherloc (09022015). Collection method: clinical testing. Allele origin: germline.

Quest Diagnostics Nichols Institute San Juan Capistrano
Classification: Benign. Last evaluated: 2025-08-08. Review status: criteria provided, single submitter. Criteria: Quest Diagnostics criteria. Collection method: clinical testing. Allele origin: unknown.

Myriad Genetics, Inc.
Classification: Benign for Peutz-Jeghers syndrome. Last evaluated: 2025-03-28. Review status: criteria provided, single submitter. Criteria: Myriad Autosomal Dominant, Autosomal Recessive and X-Linked Classification Criteria (2023). Collection method: clinical testing. Allele origin: unknown.
Comment: This variant is considered benign. This variant is a silent/synonymous amino acid change and it is not expected to impact splicing.

Center for Genomic Medicine, Rigshospitalet, Copenhagen University Hospital
Classification: Likely benign. Last evaluated: 2025-03-04. Review status: criteria provided, single submitter. Criteria: ACMG Guidelines, 2015. Collection method: clinical testing. Allele origin: germline.

Blueprint Genetics
Classification: Likely benign. Last evaluated: 2024-10-17. Review status: criteria provided, single submitter. Criteria: ACMG Guidelines, 2015. Collection method: clinical testing. Allele origin: germline.

All of Us Research Program, National Institutes of Health
Classification: Likely benign for Peutz-Jeghers syndrome. Last evaluated: 2024-02-05. Review status: criteria provided, single submitter. Criteria: ACMG Guidelines, 2015. Collection method: clinical testing. Allele origin: germline. Inheritance: Autosomal dominant inheritance. Observed: 185 variant alleles, 185 heterozygotes.
Comment: This study involves interpretation of variants in research participants for the purpose of population health screening. Participant phenotype was not available at the time of variant classification. Additional details can be found in publication PMID: 35346344, PMCID: PMC8962531

KCCC/NGS Laboratory, Kuwait Cancer Control Center
Classification: Benign for Peutz-Jeghers syndrome. Last evaluated: 2023-07-07. Review status: criteria provided, single submitter. Criteria: ACMG Guidelines, 2015. Collection method: clinical testing. Allele origin: germline. Affected: yes.

CHEO Genetics Diagnostic Laboratory, Children's Hospital of Eastern Ontario
Classification: Likely benign for Breast and/or ovarian cancer. Last evaluated: 2023-06-05. Review status: criteria provided, single submitter. Criteria: ACMG Guidelines, 2015. Collection method: clinical testing. Allele origin: germline.

Institute for Biomarker Research, Medical Diagnostic Laboratories, L.L.C.
Classification: Benign for Hereditary cancer-predisposing syndrome. Last evaluated: 2022-10-04. Review status: criteria provided, single submitter. Criteria: ACMG Guidelines, 2015. Collection method: clinical testing. Allele origin: germline.

Genome-Nilou Lab
Classification: Likely benign for Peutz-Jeghers syndrome. Last evaluated: 2021-07-15. Review status: criteria provided, single submitter. Criteria: ACMG Guidelines, 2015. Collection method: clinical testing. Allele origin: germline. Affected: no.

ARUP Laboratories, Molecular Genetics and Genomics, ARUP Laboratories
Classification: Likely benign. Last evaluated: 2021-05-06. Review status: criteria provided, single submitter. Criteria: ARUP Molecular Germline Variant Investigation Process 2021. Collection method: clinical testing. Allele origin: germline.

Sema4
Classification: Benign for Hereditary cancer-predisposing syndrome. Last evaluated: 2020-10-20. Review status: criteria provided, single submitter. Criteria: Sema4 Curation Guidelines. Collection method: curation. Allele origin: germline.

Genetic Services Laboratory, University of Chicago
Classification: Likely benign. Last evaluated: 2019-09-19. Review status: criteria provided, single submitter. Criteria: ACMG Guidelines, 2015. Collection method: clinical testing. Allele origin: germline. Affected: no.

Mendelics
Classification: Likely benign for Peutz-Jeghers syndrome. Last evaluated: 2019-05-28. Review status: criteria provided, single submitter. Criteria: Mendelics Assertion Criteria 2017. Collection method: clinical testing. Allele origin: unknown.

Illumina Laboratory Services, Illumina
Classification: Benign for Peutz-Jeghers syndrome. Last evaluated: 2018-01-13. Review status: criteria provided, single submitter. Criteria: ICSL Variant Classification Criteria 13 December 2019. Collection method: clinical testing. Allele origin: germline.
Comment: This variant was observed in the ICSL laboratory as part of a predisposition screen in an ostensibly healthy population. It had not been previously curated by ICSL or reported in the Human Gene Mutation Database (HGMD: prior to June 1st, 2018), and was therefore a candidate for classification through an automated scoring system. Utilizing variant allele frequency, disease prevalence and penetrance estimates, and inheritance mode, an automated score was calculated to assess if this variant is too frequent to cause the disease. Based on the score and internal cut-off values, a variant classified as benign is not then subjected to further curation. The score for this variant resulted in a classification of benign for this disease.

Color Diagnostics, LLC DBA Color Health
Classification: Likely benign for Hereditary cancer-predisposing syndrome. Last evaluated: 2015-06-09. Review status: criteria provided, single submitter. Criteria: ACMG Guidelines, 2015. Collection method: clinical testing. Allele origin: germline.

Ambry Genetics
Classification: Likely benign for Hereditary cancer-predisposing syndrome. Last evaluated: 2014-06-16. Review status: criteria provided, single submitter. Criteria: Ambry Variant Classification Scheme 2023. Collection method: clinical testing. Allele origin: germline.

GeneDx
Classification: Benign. Last evaluated: 2013-11-01. Review status: criteria provided, single submitter. Criteria: GeneDx Variant Classification (06012015). Collection method: clinical testing. Allele origin: germline. Affected: yes.
Comment: This variant is considered likely benign or benign based on one or more of the following criteria: it is a conservative change, it occurs at a poorly conserved position in the protein, it is predicted to be benign by multiple in silico algorithms, and/or has population frequency not consistent with disease.

PreventionGenetics, part of Exact Sciences
Classification: Benign for STK11-related condition. Last evaluated: 2019-05-14. Review status: no assertion criteria provided. Collection method: clinical testing. Allele origin: germline. Not counted in ClinVar's aggregate classification.
Comment: This variant is classified as benign based on ACMG/AMP sequence variant interpretation guidelines (Richards et al. 2015 PMID: 25741868, with internal and published modifications).

True Health Diagnostics
Classification: Likely benign for Hereditary cancer-predisposing syndrome. Last evaluated: 2017-12-01. Review status: no assertion criteria provided. Collection method: clinical testing. Allele origin: germline. Not counted in ClinVar's aggregate classification.

Clinical Genetics, Academic Medical Center
Classification: Likely benign. Review status: no assertion criteria provided. Collection method: clinical testing. Allele origin: germline. Affected: yes. Study: VKGL Data-share Consensus. Not counted in ClinVar's aggregate classification.

Department of Pathology and Laboratory Medicine, Sinai Health System
Classification: Likely benign for Malignant tumor of breast. Review status: no assertion criteria provided. Collection method: clinical testing. Allele origin: unknown. Affected: yes. Study: The Canadian Open Genetics Repository (COGR). Not counted in ClinVar's aggregate classification.
Comment: The STK11 p.Pro315= variant was identified in 2 of 144 proband chromosomes (frequency: 0.01) from Spanish and Australian individuals or families with Lynch syndrome or PJS (Peutzâ€šÃ„Ã¬Jeghers syndrome (Vargas-Parra_2017_28577310, Scott_2002_12372054 ). The variant was also identified in dbSNP (ID: rs376329042) â€šÃ„ÃºWith Likely benign alleleâ€šÃ„Ã¹, ClinVar (classified benign by Invitae, GeneDx, and Quest Diagnostics Nichols Institute San Juan Capistrano, and likely benign by Ambry Genetics), Clinvitae (3x), Cosmic (1x in a carcinoma of the large intestine), Zhejiang Colon Cancer Database (8x), and in control databases in 150 of 218304 chromosomes at a frequency of 0.0007 increasing the likelihood this could be a low frequency benign variant (Genome Aggregation Database Feb 27, 2017). Breakdown of the observations by population include African in 3 of 19118 chromosomes (freq: 0.0002), Other in 3 of 5448 chromosomes (freq: 0.0006), Latino in 10 of 28572 chromosomes (freq: 0.0004), European Non-Finnish in 66 of 95490 chromosomes (freq: 0.0007), Ashkenazi Jewish in 48 of 8990 chromosomes (freq: 0.005), European Finnish in 2 of 20554 chromosomes (freq: 0.0001), and South Asian in 18 of 25328 chromosomes (freq: 0.0007) while not observed in the East Asian population. The variant was not identified in MutDB, LOVD 3.0, and Insight Hereditary Tumors Database The p.Pro315= variant is not expected to have clinical significance because it does not result in a change of amino acid and is not located in a known consensus splice site. In addition, in silico or computational prediction software programs (SpliceSiteFinder, MaxEntScan, NNSPLICE, GeneSplicer, HumanSpliceFinder) do not predict a difference in splicing. In summary, based on the above information the clinical significance of this variant cannot be determined with certainty at this time although we would lean towards a more benign role for this variant. This variant is classified as likely benign.

Diagnostic Laboratory, Department of Genetics, University Medical Center Groningen
Classification: Likely benign. Review status: no assertion criteria provided. Collection method: clinical testing. Allele origin: germline. Affected: yes. Study: VKGL Data-share Consensus. Not counted in ClinVar's aggregate classification.

Genome Diagnostics Laboratory, Amsterdam University Medical Center
Classification: Likely benign. Review status: no assertion criteria provided. Collection method: clinical testing. Allele origin: germline. Affected: yes. Study: VKGL Data-share Consensus. Not counted in ClinVar's aggregate classification.

Laboratory of Diagnostic Genome Analysis, Leiden University Medical Center (LUMC)
Classification: Likely benign. Review status: no assertion criteria provided. Collection method: clinical testing. Allele origin: germline. Affected: yes. Study: VKGL Data-share Consensus. Not counted in ClinVar's aggregate classification.

Mayo Clinic Laboratories, Mayo Clinic
Classification: Likely benign. Review status: no assertion criteria provided. Collection method: clinical testing. Allele origin: unknown. Not counted in ClinVar's aggregate classification.

Literature cited by the submitters: PubMed 28577310 (cited by Quest Diagnostics Nichols Institute San Juan Capistrano).

NM_000455.5(STK11):c.945G>A (p.Pro315=)

Gene: STK11 (serine/threonine kinase 11; plus strand). Cytogenetic location: 19p13.3.
Variant type: single nucleotide variant.
Coding change: c.945G>A on transcript NM_000455.5 (MANE Select); coding-DNA position 945, G replaced by A.
Protein change: p.Pro315=; no amino-acid change (proline 315 retained).
Molecular consequence: synonymous variant.
Genome position (GRCh38, 1-based): chr19:1,223,009, G>A. VCF-style: chr19-1223009-G-A. GRCh37 (hg19) VCF-style: chr19-1223008-G-A.
Other names: p.P315P:CCG>CCA.
Identifiers: ClinVar variation 135929 (VCV000135929.87), dbSNP rs376329042, ClinGen allele CA023373.